The following is an entry in ClinVar:

ClinVar aggregate classification (germline): Pathogenic (1 of 4 stars; one submission).

Conditions:
Arrhythmogenic right ventricular dysplasia 8 (ARVD8). Also called: ARRHYTHMOGENIC RIGHT VENTRICULAR DYSPLASIA, FAMILIAL, 8; ARRHYTHMOGENIC RIGHT VENTRICULAR CARDIOMYOPATHY 8; Arrhythmogenic Right Ventricular Dysplasia/Cardiomyopathy 8. Identifiers: MedGen C1843896, MONDO:0011831, OMIM 607450.

Submission:

Molecular Genetics Laboratory, Motol Hospital
Classification: Pathogenic for Arrhythmogenic right ventricular dysplasia 8. Last evaluated: 2026-05-14. Review status: criteria provided, single submitter. Criteria: ACMG Guidelines, 2015. Collection method: clinical testing. Allele origin: germline. Inheritance: Sporadic. Affected: yes. Observed: 1 variant allele, 1 heterozygote.
Comment: A rare variant not present in non-Finnish European population (gnomAD v4.1.1) (PM2). Located in the mutation hotspot in the exon 11. Rare variants in the DSP gene are associated with autosomal dominant and autosomal recessive cardiomyopathies (AD arrhythmogenic right ventricular dysplasia-8, AR dilated cardiomyopathy with woolly hair and keratoderma and AD dilated cardiomyopathy with woolly hair, palmoplantar keratoderma, and tooth agenesis) (PVS1). The variant is classified as pathogenic.

Literature cited by the submitters: PubMed 32372669; PubMed 39288222.

NM_004415.4(DSP):c.1417C>T (p.Gln473Ter)

Gene: DSP (desmoplakin; plus strand). Cytogenetic location: 6p24.3.
Variant type: single nucleotide variant.
Coding change: c.1417C>T on transcript NM_004415.4 (MANE Select); coding-DNA position 1417, C replaced by T.
Protein change: p.Gln473Ter; replaces glutamine 473 with a stop codon.
Molecular consequence: nonsense.
Genome position (GRCh38, 1-based): chr6:7,568,587, C>T. VCF-style: chr6-7568587-C-T. GRCh37 (hg19) VCF-style: chr6-7568820-C-T.
Other names: c.1417C>T, p.Gln473Ter (NM_001008844.3, NM_001319034.2, NM_001406591.1); short protein forms Q473*.
Identifiers: ClinVar variation 4851276 (VCV004851276.1).